The following is an entry in ClinVar:

ClinVar aggregate classification (germline): Uncertain significance (1 of 4 stars; one submission).

Conditions:
Hereditary nonpolyposis colorectal neoplasms. Identifiers: MedGen C0009405, MeSH D003123.

gnomAD v4.1: 1 of 1,614,114 alleles (0.000062%); no homozygotes.

Submission:

Labcorp Genetics (formerly Invitae), Labcorp
Classification: Uncertain significance for Hereditary nonpolyposis colorectal neoplasms. Last evaluated: 2022-08-03. Review status: criteria provided, single submitter. Criteria: Invitae Variant Classification Sherloc (09022015). Collection method: clinical testing. Allele origin: germline.
Comment: In summary, the available evidence is currently insufficient to determine the role of this variant in disease. Therefore, it has been classified as a Variant of Uncertain Significance. Advanced modeling of protein sequence and biophysical properties (such as structural, functional, and spatial information, amino acid conservation, physicochemical variation, residue mobility, and thermodynamic stability) performed at Invitae indicates that this missense variant is not expected to disrupt PMS2 protein function. ClinVar contains an entry for this variant (Variation ID: 1022891). This variant has not been reported in the literature in individuals affected with PMS2-related conditions. This variant is not present in population databases (gnomAD no frequency). This sequence change replaces aspartic acid, which is acidic and polar, with glutamic acid, which is acidic and polar, at codon 483 of the PMS2 protein (p.Asp483Glu).

NM_000535.7(PMS2):c.1449C>G (p.Asp483Glu)

Gene: PMS2 (PMS1 homolog 2, mismatch repair system component; minus strand). Cytogenetic location: 7p22.1.
Variant type: single nucleotide variant.
Coding change: c.1449C>G on transcript NM_000535.7 (MANE Select); coding-DNA position 1449, C replaced by G.
Protein change: p.Asp483Glu; replaces aspartic acid 483 with glutamic acid.
Molecular consequence: missense variant. On other transcripts: non-coding transcript variant (1).
Genome position (GRCh38, 1-based): chr7:5,987,316, G>C on the plus strand (C>G on the coding strand, the complement: PMS2 is on the minus strand). VCF-style: chr7-5987316-G-C. GRCh37 (hg19) VCF-style: chr7-6026947-G-C.
Other names: c.1044C>G, p.Asp348Glu (NM_001322003.2, NM_001322004.2, NM_001322005.2 and 1 more transcripts); c.1293C>G, p.Asp431Glu (NM_001322006.2); c.1131C>G, p.Asp377Glu (NM_001322007.2, NM_001322008.2); c.888C>G, p.Asp296Glu (NM_001322010.2); c.516C>G, p.Asp172Glu (NM_001322011.2, NM_001322012.2); c.876C>G, p.Asp292Glu (NM_001322013.2); c.1449C>G, p.Asp483Glu (NM_001322014.2); c.1140C>G, p.Asp380Glu (NM_001322015.2); short protein forms D172E, D292E, D296E, D348E, D377E, D380E, D431E, D483E.
Identifiers: ClinVar variation 1022891 (VCV001022891.10), dbSNP rs1583319929, ClinGen allele CA366741941.
Genomic context (GRCh38, chr7:5,987,316, plus strand): 5'-AGAATCCACGGAAGTGCTGCCGTGCCCCGAGTCCTTCTCCACCTCCGCTCTGTCCGTAGG[G>C]TCACTGGGTCCGTGACTGGAACTCACTGCCTCTTTCTGAGGTCTCAGGACGCCTTTGTCA-3'
Protein context (NP_000526.2, residues 473-493): EAVSSSHGPS[Asp483Glu]PTDRAEVEKD